The following is an entry in ClinVar:

ClinVar aggregate classification (germline): Likely benign (0 of 4 stars; one submission).

Conditions:
VPS13B-related disorder. Also called: VPS13B-related condition.

gnomAD v4.1: 3 of 1,613,978 alleles (0.00019%); highest among the groups gnomAD compares: Non-Finnish European, 0.00025%; no homozygotes.

Submission:

PreventionGenetics, part of Exact Sciences
Classification: Likely benign for VPS13B-related condition. Last evaluated: 2024-06-04. Review status: no assertion criteria provided. Collection method: clinical testing. Allele origin: germline.
Comment: This variant is classified as likely benign based on ACMG/AMP sequence variant interpretation guidelines (Richards et al. 2015 PMID: 25741868, with internal and published modifications).

NM_152564.5(VPS13B):c.1839A>G (p.Lys613=)

Gene: VPS13B (vacuolar protein sorting 13 homolog B; plus strand). Cytogenetic location: 8q22.2.
Variant type: single nucleotide variant.
Coding change: c.1839A>G on transcript NM_152564.5 (MANE Select); coding-DNA position 1839, A replaced by G.
Protein change: p.Lys613=; no amino-acid change (lysine 613 retained).
Molecular consequence: synonymous variant.
Genome position (GRCh38, 1-based): chr8:99,143,161, A>G. VCF-style: chr8-99143161-A-G. GRCh37 (hg19) VCF-style: chr8-100155389-A-G.
Other names: c.1839A>G, p.Lys613= (NM_015243.3, NM_017890.5).
Identifiers: ClinVar variation 3347086 (VCV003347086.1).
Genomic context (GRCh38, chr8:99,143,161, plus strand): 5'-GATTTTGAAAATGATTGTGTGTGCCTTGGAACATGAATATGAACCATATAGCAGGCTAAA[A>G]TCAGGTTTGTTTCTGGATTAATTTTGAATCTTTTGCCATTTGTTTTGAGAATAATTATAT-3'
Protein context (NP_689777.3, residues 603-623): EHEYEPYSRL[Lys613=]SDIKDENETI